The following is an entry in ClinVar:

NM_001322934.2(NFKB2):c.1470-7C>T

Gene: NFKB2 (nuclear factor kappa B subunit 2; plus strand). Cytogenetic location: 10q24.32.
Variant type: single nucleotide variant.
Coding change: c.1470-7C>T on transcript NM_001322934.2 (MANE Select); 7 bases into the intron before coding-DNA position 1470, C replaced by T.
Molecular consequence: intron variant.
Genome position (GRCh38, 1-based): chr10:102,400,073, C>T. VCF-style: chr10-102400073-C-T. GRCh37 (hg19) VCF-style: chr10-104159830-C-T.
Other names: c.1470-7C>T (NM_001288724.1, NM_001077494.3, NM_001261403.3 and 1 more transcripts); c.1344-7C>T (NM_001322935.1).
Identifiers: ClinVar variation 1938189 (VCV001938189.29), dbSNP rs1182148645, ClinGen allele CA471002922.

ClinVar aggregate classification (germline): Conflicting classifications of pathogenicity. Review status: criteria provided, conflicting classifications (1 of 4 stars). 2 submissions from 2 submitters: Uncertain significance (1); Likely benign (1). Last evaluated 2024-10-17.

Conditions:
Immunodeficiency, common variable, 10. Also called: IMMUNODEFICIENCY, COMMON VARIABLE, WITH CENTRAL ADRENAL INSUFFICIENCY; DEFICIT IN ANTERIOR PITUITARY FUNCTION AND VARIABLE IMMUNODEFICIENCY. Identifiers: MedGen C3809991, MONDO:0014260, OMIM 615577.

Allele frequency attached by ClinVar (database versions not stated): gnomAD exomes below 0.00001.
gnomAD v4.1: 6 of 1,613,360 alleles (0.00037%); highest among the groups gnomAD compares: Non-Finnish European, 0.00051%; no homozygotes.

Submissions (2):

Labcorp Genetics (formerly Invitae), Labcorp
Classification: Likely benign for Immunodeficiency, common variable, 10. Last evaluated: 2024-10-17. Review status: criteria provided, single submitter. Criteria: Invitae Variant Classification Sherloc (09022015). Collection method: clinical testing. Allele origin: germline.

CeGaT Center for Human Genetics Tuebingen
Classification: Uncertain significance. Last evaluated: 2022-12-01. Review status: criteria provided, single submitter. Criteria: CeGaT Center For Human Genetics Tuebingen Variant Classification Criteria Version 2. Collection method: clinical testing. Allele origin: germline. Affected: yes. Observed: 1 variant allele.
Comment: NFKB2: PM2, BP4